The following is an entry in ClinVar:

ClinVar aggregate classification (germline): Uncertain significance (1 of 4 stars; one submission).

Conditions:
CHD7-related CHARGE syndrome. Identifiers: MedGen CN380413, MONDO:1010178, OMIM 214800.

Submission:

3billion
Classification: Uncertain significance for CHD7-related CHARGE syndrome. Last evaluated: 2025-09-25. Review status: criteria provided, single submitter. Criteria: ACMG Guidelines, 2015. Collection method: clinical testing. Allele origin: germline. Affected: yes.
Comment: The variant is not observed in the gnomAD v4.1.0 dataset. Predicted Consequence/Location: Missense variant In silico tool prediction suggests damaging effect of the variant on gene or gene product [REVEL: 0.84 (>=0.6, sensitivity 0.68 and specificity 0.92)]. A different missense change at the same codon (p.Arg1741Pro) has been reported to be associated with CHD7-related disorder (PMID: 20884005). Therefore, this variant is classified as VUS according to the recommendation of ACMG/AMP guideline.

Literature cited by the submitters: PubMed 20884005.

NM_017780.4(CHD7):c.5222G>T (p.Arg1741Leu)

Gene: CHD7 (chromodomain helicase DNA binding protein 7; plus strand). Cytogenetic location: 8q12.2.
Variant type: single nucleotide variant.
Coding change: c.5222G>T on transcript NM_017780.4 (MANE Select); coding-DNA position 5222, G replaced by T.
Protein change: p.Arg1741Leu; replaces arginine 1741 with leucine.
Molecular consequence: missense variant. On other transcripts: intron variant (1).
Genome position (GRCh38, 1-based): chr8:60,848,526, G>T. VCF-style: chr8-60848526-G-T. GRCh37 (hg19) VCF-style: chr8-61761085-G-T.
Other names: c.1717-13703G>T (NM_001316690.1); short protein forms R1741L.
Identifiers: ClinVar variation 4854551 (VCV004854551.1).